The following is an entry in ClinVar:

NM_004006.3(DMD):c.9563+2T>C

Gene: DMD (dystrophin; minus strand). Cytogenetic location: Xp21.2.
Variant type: single nucleotide variant.
Coding change: c.9563+2T>C on transcript NM_004006.3 (MANE Select); the canonical splice donor site of the intron after coding-DNA position 9563, T replaced by C.
Molecular consequence: splice donor variant.
Genome position (GRCh38, 1-based): chrX:31,209,496, A>G on the plus strand (T>C on the coding strand, the complement: DMD is on the minus strand). VCF-style: chrX-31209496-A-G. GRCh37 (hg19) VCF-style: chrX-31227613-A-G.
Other names: c.9539+2T>C (NM_000109.4); c.5540+2T>C (NM_004011.4); c.5531+2T>C (NM_004012.4); c.2183+2T>C (NM_004023.3, NM_004020.4, NM_004022.3 and 2 more transcripts); c.1376+2T>C (NM_004014.3); c.359+2T>C (NM_004018.3, NM_004017.3, NM_004016.3 and 2 more transcripts); c.9551+2T>C (NM_004009.3); c.9194+2T>C (NM_004010.3).
Identifiers: ClinVar variation 3728116 (VCV003728116.2).

ClinVar aggregate classification (germline): Pathogenic (1 of 4 stars; one submission).

Conditions:
Duchenne muscular dystrophy (DMD). Also called: Duchenne Muscular Dystrophy (DMD); MUSCULAR DYSTROPHY, PSEUDOHYPERTROPHIC PROGRESSIVE, DUCHENNE TYPE. Identifiers: Orphanet 98896, MedGen C0013264, MONDO:0010679, OMIM 310200.

Submission:

Labcorp Genetics (formerly Invitae), Labcorp
Classification: Pathogenic for Duchenne muscular dystrophy. Last evaluated: 2024-12-26. Review status: criteria provided, single submitter. Criteria: Invitae Variant Classification Sherloc (09022015). Collection method: clinical testing. Allele origin: germline.
Comment: This sequence change affects a donor splice site in intron 65 of the DMD gene. It is expected to disrupt RNA splicing. Variants that disrupt the donor or acceptor splice site typically lead to a loss of protein function (PMID: 16199547), and loss-of-function variants in DMD are known to be pathogenic (PMID: 16770791, 25007885). This variant is not present in population databases (gnomAD no frequency). Disruption of this splice site has been observed in individuals with Duchenne muscular dystrophy (PMID: 8281150, 20485447, 23536893). Algorithms developed to predict the effect of sequence changes on RNA splicing suggest that this variant may disrupt the consensus splice site. For these reasons, this variant has been classified as Pathogenic.

Literature cited by the submitters: PubMed 16199547; PubMed 16770791; PubMed 25007885; PubMed 8281150; PubMed 20485447; PubMed 23536893.